The following is an entry in ClinVar:

NM_000350.3(ABCA4):c.1760+2T>G

Gene: ABCA4 (ATP binding cassette subfamily A member 4; minus strand). Cytogenetic location: 1p22.1.
Variant type: single nucleotide variant.
Coding change: c.1760+2T>G on transcript NM_000350.3 (MANE Select); the canonical splice donor site of the intron after coding-DNA position 1760, T replaced by G.
Molecular consequence: splice donor variant.
Genome position (GRCh38, 1-based): chr1:94,063,110, A>C on the plus strand (T>G on the coding strand, the complement: ABCA4 is on the minus strand). VCF-style: chr1-94063110-A-C. GRCh37 (hg19) VCF-style: chr1-94528666-A-C.
Identifiers: ClinVar variation 99076 (VCV000099076.9), dbSNP rs61751385, ClinGen allele CA226922.

ClinVar aggregate classification (germline): Pathogenic. Review status: criteria provided, multiple submitters, no conflicts (2 of 4 stars). 6 submissions from 6 submitters: Pathogenic (4). 2 of the submissions do not count toward it. Last evaluated 2024-03-08.

Conditions:
Cone-rod dystrophy 3 (CORD3). Identifiers: Orphanet 1872, MedGen C1858806, MONDO:0011395, OMIM 604116.
Age related macular degeneration 2. Also called: MACULAR DEGENERATION, SENILE; MACULOPATHY, AGE-RELATED, 2; MACULOPATHY, AGE-RELATED. Identifiers: MedGen C3495438, MONDO:0007932, OMIM 153800.
Retinitis pigmentosa 19 (RP19). Also called: ABCA4-Related Retinitis Pigmentosa. Identifiers: Orphanet 791, MedGen C1866422, MONDO:0011137, OMIM 601718.
Severe early-childhood-onset retinal dystrophy (STGD1). Also called: MACULAR DYSTROPHY WITH FLECKS, TYPE 1; STGD; Stargardt disease 1; Stargardt macular dystrophy; Juvenile onset macular degeneration. Identifiers: Orphanet 364055, Orphanet 827, MedGen C1855465, MeSH D000080362, MONDO:0009549, OMIM 248200.
Retinal dystrophy. Also called: Inherited retinal dystrophy. Identifiers: Orphanet 71862, MedGen C0854723, MeSH D058499, MONDO:0019118, HP:0000556.

Allele frequency attached by ClinVar (database versions not stated): gnomAD exomes 0.00002.
gnomAD v4.1: 10 of 1,612,064 alleles (0.00062%); highest among the groups gnomAD compares: East Asian, 0.022%; no homozygotes.

Submissions (6):

3billion
Classification: Pathogenic for Retinitis pigmentosa 19. Last evaluated: 2024-03-08. Review status: criteria provided, single submitter. Criteria: ACMG Guidelines, 2015. Collection method: clinical testing. Allele origin: germline. Affected: yes.
Comment: The variant is not observed in the gnomAD v2.1.1 dataset. Predicted Consequence/Location: Canonical splice site: predicted to alter splicing and result in a loss or disruption of normal protein function. Multiple pathogenic loss-of-function variants are reported downstream of the variant. In silico tools predict the variant to alter splicing and produce an abnormal transcript [Splice AI: 0.82 (spliceogenicity >=0.2, non-spliceogenicity <0.1)]. The variant has been reported to be associated with ABCA4-related disorder (ClinVar ID: VCV000099076 /PMID: 12202497). Therefore, this variant is classified as Pathogenic according to the recommendation of ACMG/AMP guideline.

Labcorp Genetics (formerly Invitae), Labcorp
Classification: Pathogenic. Last evaluated: 2024-02-10. Review status: criteria provided, single submitter. Criteria: Invitae Variant Classification Sherloc (09022015). Collection method: clinical testing. Allele origin: germline.
Comment: This sequence change affects a donor splice site in intron 12 of the ABCA4 gene. It is expected to disrupt RNA splicing. Variants that disrupt the donor or acceptor splice site typically lead to a loss of protein function (PMID: 16199547), and loss-of-function variants in ABCA4 are known to be pathogenic (PMID: 10958761, 24938718, 25312043, 26780318). This variant is not present in population databases (gnomAD no frequency). Disruption of this splice site has been observed in individual(s) with autosomal recessive retinitis pigmentosa and/or Stargardt disease (PMID: 12202497, 31814693). It has also been observed to segregate with disease in related individuals. This variant is also known as IVS12+2T>G. ClinVar contains an entry for this variant (Variation ID: 99076). Algorithms developed to predict the effect of sequence changes on RNA splicing suggest that this variant may disrupt the consensus splice site. For these reasons, this variant has been classified as Pathogenic.

Fulgent Genetics
Classification: Pathogenic for Age related macular degeneration 2; Severe early-childhood-onset retinal dystrophy; Retinitis pigmentosa 19; Cone-rod dystrophy 3. Last evaluated: 2024-01-27. Review status: criteria provided, single submitter. Criteria: ACMG Guidelines, 2015. Collection method: clinical testing. Allele origin: germline.

Dept Of Ophthalmology, Nagoya University
Classification: Pathogenic for Retinal dystrophy. Last evaluated: 2023-10-01. Review status: criteria provided, single submitter. Criteria: Submitter's publication. Collection method: research. Allele origin: germline. Affected: yes.

Department of Ophthalmology and Visual Sciences Kyoto University
Classification: Pathogenic for Stargardt disease 1. Review status: no assertion criteria provided. Collection method: not provided. Allele origin: unknown. Not counted in ClinVar's aggregate classification.
ClinVar note: Converted during submission from pathogenic to Pathogenic.

Retina International
No classification provided. Review status: no classification provided. Collection method: not provided. Allele origin: not provided. Not counted in ClinVar's aggregate classification.

Literature cited by the submitters: PubMed 12202497 (cited by 3billion and Labcorp Genetics (formerly Invitae), Labcorp); PubMed 16199547 (cited by Labcorp Genetics (formerly Invitae), Labcorp); PubMed 10958761 (cited by Labcorp Genetics (formerly Invitae), Labcorp); PubMed 24938718 (cited by Labcorp Genetics (formerly Invitae), Labcorp); PubMed 25312043 (cited by Labcorp Genetics (formerly Invitae), Labcorp); PubMed 26780318 (cited by Labcorp Genetics (formerly Invitae), Labcorp); PubMed 31814693 (cited by Labcorp Genetics (formerly Invitae), Labcorp).